The following is an entry in ClinVar:

ClinVar aggregate classification (germline): Likely benign (1 of 4 stars; one submission).

Conditions:
CHEK2-related disorder.

gnomAD v4.1: 9 of 693,866 alleles (0.0013%); highest among the groups gnomAD compares: South Asian, 0.0075%; no homozygotes.

Submission:

PreventionGenetics, part of Exact Sciences
Classification: Likely benign for CHEK2-related condition. Last evaluated: 2025-08-04. Review status: criteria provided, single submitter. Criteria: ACMG Guidelines, 2015. Collection method: clinical testing. Allele origin: germline.
Comment: This variant is classified as likely benign based on ACMG/AMP sequence variant interpretation guidelines (Richards et al. 2015 PMID: 25741868, with internal and published modifications).

NM_007194.4(CHEK2):c.319+3880A>G

Gene: CHEK2 (checkpoint kinase 2; minus strand). Cytogenetic location: 22q12.1.
Variant type: single nucleotide variant.
Coding change: c.319+3880A>G on transcript NM_007194.4 (MANE Select); 3880 bases into the intron after coding-DNA position 319, A replaced by G.
Molecular consequence: intron variant. On other transcripts: synonymous variant (4).
Genome position (GRCh38, 1-based): chr22:28,730,523, T>C on the plus strand (A>G on the coding strand, the complement: CHEK2 is on the minus strand). VCF-style: chr22-28730523-T-C. GRCh37 (hg19) VCF-style: chr22-29126511-T-C.
Other names: c.345A>G, p.Gln115= (NM_001005735.3, NM_001438293.1, NM_001438294.1 and 1 more transcripts); c.-344-5156A>G (NM_001437942.1); c.319+3880A>G (NM_001349956.3, NM_145862.3); c.-459+3880A>G (NM_001257387.3).
Identifiers: ClinVar variation 4987945 (VCV004987945.1).